The following is an entry in ClinVar:

ClinVar aggregate classification (germline): Uncertain significance (1 of 4 stars; one submission).

Conditions:
Autosomal dominant epilepsy with auditory features. Identifiers: Orphanet 101046, MedGen C1838062, MONDO:0010898.

gnomAD v4.1: 1 of 1,614,204 alleles (0.000062%); highest among the groups gnomAD compares: South Asian, 0.0011%; no homozygotes.

Submission:

Labcorp Genetics (formerly Invitae), Labcorp
Classification: Uncertain significance for Autosomal dominant epilepsy with auditory features. Last evaluated: 2025-08-13. Review status: criteria provided, single submitter. Criteria: Invitae Variant Classification Sherloc (09022015). Collection method: clinical testing. Allele origin: germline.
Comment: This sequence change replaces leucine, which is neutral and non-polar, with proline, which is neutral and non-polar, at codon 16 of the LGI1 protein (p.Leu16Pro). This variant is present in population databases (no rsID available, gnomAD 0.003%). This variant has not been reported in the literature in individuals affected with LGI1-related conditions. An algorithm developed to predict the effect of missense changes on protein structure and function (PolyPhen-2) suggests that this variant is likely to be tolerated. In summary, the available evidence is currently insufficient to determine the role of this variant in disease. Therefore, it has been classified as a Variant of Uncertain Significance.

NM_005097.4(LGI1):c.47T>C (p.Leu16Pro)

Gene: LGI1 (leucine rich glioma inactivated 1; plus strand). Cytogenetic location: 10q23.33.
Variant type: single nucleotide variant.
Coding change: c.47T>C on transcript NM_005097.4 (MANE Select); coding-DNA position 47, T replaced by C.
Protein change: p.Leu16Pro; replaces leucine 16 with proline.
Molecular consequence: missense variant. On other transcripts: non-coding transcript variant (1).
Genome position (GRCh38, 1-based): chr10:93,758,191, T>C. VCF-style: chr10-93758191-T-C. GRCh37 (hg19) VCF-style: chr10-95517948-T-C.
Other names: c.47T>C, p.Leu16Pro (NM_001308275.2, NM_001308276.2); short protein forms L16P.
Identifiers: ClinVar variation 4798564 (VCV004798564.1).